The following is an entry in ClinVar:

ClinVar aggregate classification (germline): Benign/Likely benign. Review status: criteria provided, multiple submitters, no conflicts (2 of 4 stars). 10 submissions from 10 submitters: Benign (5); Likely benign (4). 1 of the submissions does not count toward it. Last evaluated 2026-06-01.

Conditions:
Retinitis pigmentosa (RP). Identifiers: Orphanet 791, MedGen C0035334, MeSH D012174, MONDO:0019200, OMIM 268000. Inheritance: Autosomal dominant, autosomal recessive and X linked inheritance.
Retinitis pigmentosa 1 (RP1). Identifiers: Orphanet 791, MedGen C0220701, MONDO:0008377, OMIM 180100.

Allele frequency attached by ClinVar (database versions not stated): 1000 Genomes Project 30x 0.00984; gnomAD 0.00985 and 0.01007; 1000 Genomes Project 0.01018; TOPMed 0.01024; gnomAD exomes 0.01255 and 0.01345; ExAC 0.01273.
gnomAD v4.1: 21,263 of 1,614,112 alleles (1.3%); highest among the groups gnomAD compares: South Asian, 2.5%; 219 homozygotes.

Submissions (10):

CeGaT Center for Human Genetics Tuebingen
Classification: Benign. Last evaluated: 2026-06-01. Review status: criteria provided, single submitter. Criteria: CeGaT Center For Human Genetics Tuebingen Variant Classification Criteria Version 2. Collection method: clinical testing. Allele origin: germline. Affected: yes. Observed: 12 variant alleles.
Comment: RP1: BP4, BS1, BS2

Labcorp Genetics (formerly Invitae), Labcorp
Classification: Likely benign. Last evaluated: 2026-02-03. Review status: criteria provided, single submitter. Criteria: Invitae Variant Classification Sherloc (09022015). Collection method: clinical testing. Allele origin: germline.

ARUP Laboratories, Molecular Genetics and Genomics, ARUP Laboratories
Classification: Benign for Retinitis pigmentosa 1. Last evaluated: 2023-06-28. Review status: criteria provided, single submitter. Criteria: ARUP Molecular Germline Variant Investigation Process 2024. Collection method: clinical testing. Allele origin: germline.

Fulgent Genetics
Classification: Likely benign for Retinitis pigmentosa 1. Last evaluated: 2022-02-06. Review status: criteria provided, single submitter. Criteria: ACMG Guidelines, 2015. Collection method: clinical testing. Allele origin: unknown.

GeneDx
Classification: Benign. Last evaluated: 2019-11-13. Review status: criteria provided, single submitter. Criteria: GeneDx Variant Classification Process June 2021. Collection method: clinical testing. Allele origin: germline. Affected: yes.
Comment: Reported in the heterozygous state in an individual with autosomal dominant retinitis pigmentosa (adRP); however, this variant failed to co-segregate with the disease in other affected family members. In addition, this variant was observed in 2/95 control individuals, leading the authors to suggest this is a benign variant (Berson et al., 2001); In silico analysis, which includes protein predictors and evolutionary conservation, supports that this variant does not alter protein structure/function; This variant is associated with the following publications: (PMID: 15863674, 11527933, 21147909, 25097241, 11095597, 24705292, 24123366, 25333069, 27884173, 27535533)

Illumina Laboratory Services, Illumina
Classification: Benign for Retinitis pigmentosa. Last evaluated: 2018-03-06. Review status: criteria provided, single submitter. Criteria: ICSL Variant Classification Criteria 13 December 2019. Collection method: clinical testing. Allele origin: germline.
Comment: This variant was observed in the ICSL laboratory as part of a predisposition screen in an ostensibly healthy population. It had not been previously curated by ICSL or reported in the Human Gene Mutation Database (HGMD: prior to June 1st, 2018), and was therefore a candidate for classification through an automated scoring system. Utilizing variant allele frequency, disease prevalence and penetrance estimates, and inheritance mode, an automated score was calculated to assess if this variant is too frequent to cause the disease. Based on the score and internal cut-off values, a variant classified as benign is not then subjected to further curation. The score for this variant resulted in a classification of benign for this disease.

Eurofins Ntd Llc (ga)
Classification: Benign. Last evaluated: 2014-06-12. Review status: criteria provided, single submitter. Criteria: EGL Classification Definitions 2015. Collection method: clinical testing. Allele origin: germline. Observed: 1 variant allele, 1 heterozygote.

Breakthrough Genomics
Classification: Likely benign. Review status: criteria provided, single submitter. Criteria: ACMG Guidelines, 2015. Collection method: not provided. Allele origin: germline. Inheritance: Autosomal dominant inheritance. Affected: yes.

Broad Center for Mendelian Genomics, Broad Institute of MIT and Harvard
Classification: Likely benign for Retinitis pigmentosa 1. Review status: criteria provided, single submitter. Criteria: ACMG Guidelines, 2015. Collection method: research. Allele origin: germline. Inheritance: Autosomal dominant inheritance. Affected: yes.
Comment: The homozygous p.Thr373Ile variant in RP1 has been identified in at least 2 individuals with autosomal recessive retinitis pigmentosa (PMID: 15863674), but has also been identified in >2% of South Asian chromosomes and 23 homozygotes by ExAC. In summary, although additional studies are required to fully establish its clinical significance, this variant meets criteria to be classified as likely benign for autosomal recessive retinitis pigmentosa.

OMIM
Classification: Pathogenic for RETINITIS PIGMENTOSA 1. Last evaluated: 2005-05-01. Review status: no assertion criteria provided. Collection method: literature only. Allele origin: germline. Not counted in ClinVar's aggregate classification.

Literature cited by the submitters: PubMed 21147909 (cited by Eurofins Ntd Llc (ga)); PubMed 15863674 (cited by OMIM).

NM_006269.2(RP1):c.1118C>T (p.Thr373Ile)

Gene: RP1 (RP1 axonemal microtubule associated; plus strand). Cytogenetic location: 8q12.1.
Variant type: single nucleotide variant.
Coding change: c.1118C>T on transcript NM_006269.2 (MANE Select); coding-DNA position 1118, C replaced by T.
Protein change: p.Thr373Ile; replaces threonine 373 with isoleucine.
Molecular consequence: missense variant.
Genome position (GRCh38, 1-based): chr8:54,625,000, C>T. VCF-style: chr8-54625000-C-T. GRCh37 (hg19) VCF-style: chr8-55537560-C-T.
Other names: short protein forms T373I.
Identifiers: ClinVar variation 5970 (VCV000005970.55), dbSNP rs77775126, ClinGen allele CA202791.